The following is an entry in ClinVar:

NM_001077525.3(MTMR14):c.496G>C (p.Gly166Arg)

Gene: MTMR14 (myotubularin related protein 14; plus strand). Cytogenetic location: 3p25.3.
Variant type: single nucleotide variant.
Coding change: c.496G>C on transcript NM_001077525.3 (MANE Select); coding-DNA position 496, G replaced by C.
Protein change: p.Gly166Arg; replaces glycine 166 with arginine.
Molecular consequence: missense variant. On other transcripts: 5 prime UTR variant (10), non-coding transcript variant (6), intron variant (11).
Genome position (GRCh38, 1-based): chr3:9,669,434, G>C. VCF-style: chr3-9669434-G-C. GRCh37 (hg19) VCF-style: chr3-9711118-G-C.
Other names: c.496G>C, p.Gly166Arg (NM_001077526.3, NM_001400519.1, NM_001400520.1 and 4 more transcripts); c.565G>C, p.Gly189Arg (NM_001400518.1, NM_001400521.1, NM_001400526.1); c.-147G>C (NM_001400538.1, NM_001400540.1, NM_001400541.1 and 5 more transcripts); c.-220G>C (NM_001400547.1, NM_001400548.1); c.-88-1614G>C (NM_001400533.1, NM_001400539.1, NM_001400545.1 and 1 more transcripts); c.-161-1614G>C (NM_001400544.1, NM_001400550.1); c.309-1614G>C (NM_001400524.1, NM_001400527.1, NM_001400530.1 and 1 more transcripts); c.309-1617G>C (NM_001400531.1); and 1 more; short protein forms G166R, G189R, G72R.
Identifiers: ClinVar variation 2459185 (VCV002459185.5), dbSNP rs777405290, ClinGen allele CA2240327.

ClinVar aggregate classification (germline): Uncertain significance. Review status: criteria provided, multiple submitters, no conflicts (2 of 4 stars). 2 submissions from 2 submitters: Uncertain significance (2). Last evaluated 2023-03-02.

Allele frequency attached by ClinVar (database versions not stated): ExAC 0.00003.
gnomAD v4.1: 9 of 1,613,900 alleles (0.00056%); highest among the groups gnomAD compares: East Asian, 0.018%; no homozygotes.

Submissions (2):

Labcorp Genetics (formerly Invitae), Labcorp
Classification: Uncertain significance. Last evaluated: 2023-03-02. Review status: criteria provided, single submitter. Criteria: Invitae Variant Classification Sherloc (09022015). Collection method: clinical testing. Allele origin: germline.
Comment: In summary, the available evidence is currently insufficient to determine the role of this variant in disease. Therefore, it has been classified as a Variant of Uncertain Significance. An algorithm developed to predict the effect of missense changes on protein structure and function (PolyPhen-2) suggests that this variant is likely to be disruptive. This variant has not been reported in the literature in individuals affected with MTMR14-related conditions. This variant is present in population databases (rs777405290, gnomAD 0.03%). This sequence change replaces glycine, which is neutral and non-polar, with arginine, which is basic and polar, at codon 166 of the MTMR14 protein (p.Gly166Arg).

Ambry Genetics
Classification: Uncertain significance. Last evaluated: 2023-02-07. Review status: criteria provided, single submitter. Criteria: Ambry Variant Classification Scheme 2023. Collection method: clinical testing. Allele origin: germline.